The following is an entry in ClinVar:

NM_001110556.2(FLNA):c.6742C>T (p.Leu2248=)

Gene: FLNA (filamin A; minus strand). Cytogenetic location: Xq28.
Variant type: single nucleotide variant.
Coding change: c.6742C>T on transcript NM_001110556.2 (MANE Select); coding-DNA position 6742, C replaced by T.
Protein change: p.Leu2248=; no amino-acid change (leucine 2248 retained).
Molecular consequence: synonymous variant.
Genome position (GRCh38, 1-based): chrX:154,352,208, G>A on the plus strand (C>T on the coding strand, the complement: FLNA is on the minus strand). VCF-style: chrX-154352208-G-A. GRCh37 (hg19) VCF-style: chrX-153580576-G-A.
Other names: p.L2240L:CTG>TTG; p.Leu2240=; c.6718C>T, p.Leu2240= (NM_001456.4).
Identifiers: ClinVar variation 93772 (VCV000093772.50), dbSNP rs113510895, ClinGen allele CA285495.

ClinVar aggregate classification (germline): Benign/Likely benign. Review status: criteria provided, multiple submitters, no conflicts (2 of 4 stars). 17 submissions from 17 submitters: Benign (9); Likely benign (5). 3 of the submissions do not count toward it. Last evaluated 2026-02-03.

Conditions:
Heterotopia, periventricular, X-linked dominant (PVNH1). Also called: PERIVENTRICULAR NODULAR HETEROTOPIA 1; X-linked periventricular heterotopia; PERIVENTRICULAR NODULAR HETEROTOPIA 4; HETEROTOPIA, PERIVENTRICULAR, 1. Identifiers: Orphanet 2149, Orphanet 82004, MedGen C1848213, MONDO:0010233, OMIM 300049.
Oto-palato-digital syndrome, type II (OPD2). Also called: Otopalatodigital Syndrome Type 2 (FLNA-OPD2); OPD II SYNDROME; Otopalatodigital Syndrome, Type II; FACIOPALATOOSSEOUS SYNDROME. Identifiers: Orphanet 669, Orphanet 90652, MedGen C1844696, MONDO:0010571, OMIM 304120.
Melnick-Needles syndrome (MNS). Also called: Melnick-Needles Syndrome (FLNA-MNS); OSTEODYSPLASTY OF MELNICK AND NEEDLES; MELNICK-NEEDLES OSTEODYSPLASTY. Identifiers: Orphanet 2484, MedGen C0025237, MONDO:0010650, OMIM 309350.
Frontometaphyseal dysplasia (FMD1). Identifiers: Orphanet 1826, MedGen C0265293, MONDO:0015942.
Familial thoracic aortic aneurysm and aortic dissection (TAAD). Also called: Thoracic aortic aneurysms and dissections. Identifiers: Orphanet 91387, MedGen C4707243, MONDO:0019625.

Allele frequency attached by ClinVar (database versions not stated): 1000 Genomes Project 0.00344; 1000 Genomes Project 30x 0.00375; ExAC 0.00665; TOPMed 0.00676; gnomAD 0.00679 and 0.00698; gnomAD exomes 0.00688 and 0.00959; ESP Exome Variant Server 0.00806.

Submissions (17):

Labcorp Genetics (formerly Invitae), Labcorp
Classification: Benign for Oto-palato-digital syndrome, type II; Heterotopia, periventricular, X-linked dominant; Frontometaphyseal dysplasia; Melnick-Needles syndrome. Last evaluated: 2026-02-03. Review status: criteria provided, single submitter. Criteria: Invitae Variant Classification Sherloc (09022015). Collection method: clinical testing. Allele origin: germline.

Mayo Clinic Laboratories, Mayo Clinic
Classification: Likely benign. Last evaluated: 2025-12-16. Review status: criteria provided, single submitter. Criteria: ACMG Guidelines, 2015. Collection method: clinical testing. Allele origin: germline. Observed: 122 variant alleles.
Comment: BS2, BP4, BP7

ARUP Laboratories, Molecular Genetics and Genomics, ARUP Laboratories
Classification: Benign. Last evaluated: 2025-05-02. Review status: criteria provided, single submitter. Criteria: ARUP Molecular Germline Variant Investigation Process 2024. Collection method: clinical testing. Allele origin: germline.

Molecular Diagnostic Laboratory for Inherited Cardiovascular Disease, Montreal Heart Institute
Classification: Benign. Last evaluated: 2025-04-09. Review status: criteria provided, single submitter. Criteria: ACMG Guidelines, 2015. Collection method: clinical testing. Allele origin: germline. Affected: no.
Comment: BS1;BP6;BP7

Blueprint Genetics
Classification: Likely benign. Last evaluated: 2024-11-23. Review status: criteria provided, single submitter. Criteria: ACMG Guidelines, 2015. Collection method: clinical testing. Allele origin: germline.

Women's Health and Genetics/Laboratory Corporation of America, LabCorp
Classification: Benign. Last evaluated: 2023-04-10. Review status: criteria provided, single submitter. Criteria: LabCorp Variant Classification Summary - May 2015. Collection method: clinical testing. Allele origin: germline.

Athena Diagnostics
Classification: Benign. Last evaluated: 2019-07-03. Review status: criteria provided, single submitter. Criteria: Athena Diagnostics Criteria. Collection method: clinical testing. Allele origin: germline.

Ambry Genetics
Classification: Likely benign for Familial thoracic aortic aneurysm and aortic dissection. Last evaluated: 2015-04-09. Review status: criteria provided, single submitter. Criteria: Ambry Variant Classification Scheme 2023. Collection method: clinical testing. Allele origin: germline.

Genetic Services Laboratory, University of Chicago
Classification: Benign. Last evaluated: 2015-02-10. Review status: criteria provided, single submitter. Criteria: ACMG Guidelines, 2015. Collection method: clinical testing. Allele origin: germline.

GeneDx
Classification: Benign. Last evaluated: 2014-06-17. Review status: criteria provided, single submitter. Criteria: GeneDx Variant Classification (06012015). Collection method: clinical testing. Allele origin: germline. Affected: yes.
Comment: This variant is considered likely benign or benign based on one or more of the following criteria: it is a conservative change, it occurs at a poorly conserved position in the protein, it is predicted to be benign by multiple in silico algorithms, and/or has population frequency not consistent with disease.

Claritas Genomics
Classification: Likely benign. Last evaluated: 2013-09-16. Review status: criteria provided, single submitter. Criteria: ACMG Guidelines, 2007. Collection method: clinical testing. Allele origin: germline. Inheritance: X-linked inheritance.

Eurofins Ntd Llc (ga)
Classification: Benign. Last evaluated: 2012-11-07. Review status: criteria provided, single submitter. Criteria: EGL Classification Definitions 2015. Collection method: clinical testing. Allele origin: germline. Observed: 1 variant allele, 1 hemizygote.

Breakthrough Genomics
Classification: Likely benign. Review status: criteria provided, single submitter. Criteria: ACMG Guidelines, 2015. Collection method: not provided. Allele origin: germline. Inheritance: X-linked inheritance. Affected: yes.

PreventionGenetics, part of Exact Sciences
Classification: Benign. Review status: criteria provided, single submitter. Criteria: ACMG Guidelines, 2015. Collection method: clinical testing. Allele origin: germline.

Clinical Genetics DNA and cytogenetics Diagnostics Lab, Erasmus MC, Erasmus Medical Center
Classification: Benign. Review status: no assertion criteria provided. Collection method: clinical testing. Allele origin: germline. Affected: yes. Study: VKGL Data-share Consensus. Not counted in ClinVar's aggregate classification.

Diagnostic Laboratory, Department of Genetics, University Medical Center Groningen
Classification: Benign. Review status: no assertion criteria provided. Collection method: clinical testing. Allele origin: germline. Affected: yes. Study: VKGL Data-share Consensus. Not counted in ClinVar's aggregate classification.

Genome Diagnostics Laboratory, Amsterdam University Medical Center
Classification: Benign. Review status: no assertion criteria provided. Collection method: clinical testing. Allele origin: germline. Affected: yes. Study: VKGL Data-share Consensus. Not counted in ClinVar's aggregate classification.